The following is an entry in ClinVar:

ClinVar aggregate classification (germline): Uncertain significance (1 of 4 stars; one submission).

Submission:

Labcorp Genetics (formerly Invitae), Labcorp
Classification: Uncertain significance. Last evaluated: 2021-11-08. Review status: criteria provided, single submitter. Criteria: Invitae Variant Classification Sherloc (09022015). Collection method: clinical testing. Allele origin: germline.
Comment: This sequence change creates a premature translational stop signal (p.Ser336Alafs*49) in the ZNF408 gene. While this is not anticipated to result in nonsense mediated decay, it is expected to disrupt the last 385 amino acid(s) of the ZNF408 protein. This variant is not present in population databases (gnomAD no frequency). This variant has not been reported in the literature in individuals affected with ZNF408-related conditions. In summary, the available evidence is currently insufficient to determine the role of this variant in disease. Therefore, it has been classified as a Variant of Uncertain Significance.

NM_024741.3(ZNF408):c.1006_1007del (p.Ser336fs)

Gene: ZNF408 (zinc finger protein 408; plus strand). Cytogenetic location: 11p11.2.
Variant type: Microsatellite.
Coding change: c.1006_1007del on transcript NM_024741.3 (MANE Select); coding-DNA positions 1006 to 1007, 2 bases deleted (TC; older notation c.1006_1007delTC).
Protein change: p.Ser336fs; shifts the reading frame from serine 336.
Molecular consequence: frameshift variant.
Genome position (GRCh38, 1-based): chr11:46,704,706-46,704,707, TC deleted; deleting any 2 consecutive bases within chr11:46,704,703-46,704,707 gives the same sequence; the c. name uses the placement nearest the transcript's 3' end. VCF-style (leftmost placement, unchanged base first): chr11-46704702-ACT-A. GRCh37 (hg19) VCF-style: chr11-46726252-ACT-A.
Other names: c.982_983del, p.Ser328fs (NM_001184751.2); short protein forms S336fs, S328fs.
Identifiers: ClinVar variation 1433966 (VCV001433966.6), dbSNP rs2134509801, ClinGen allele CA2580615667.
Genomic context (GRCh38, chr11:46,704,702, plus strand): 5'-TCAGTGCCCACCCAGAGCAAAGACCCCAGAGCCTGGAGCCCAGCAGTCTGGCTTCCCTAC[ACT>A]CTCGCGGAGCCCTCCTGGCCCAGCAGGAAGCTCCCCAAAGCAGGGGCGACGGTACCGGTG-3'